The following is an entry in ClinVar:

NM_003890.3(FCGBP):c.10833G>A (p.Gly3611=)

Gene: FCGBP (Fc gamma binding protein; minus strand). Cytogenetic location: 19q13.2.
Variant type: single nucleotide variant.
Coding change: c.10833G>A on transcript NM_003890.3 (MANE Select); coding-DNA position 10833, G replaced by A.
Protein change: p.Gly3611=; no amino-acid change (glycine 3611 retained).
Molecular consequence: synonymous variant.
Genome position (GRCh38, 1-based): chr19:39,889,842, C>T on the plus strand (G>A on the coding strand, the complement: FCGBP is on the minus strand). VCF-style: chr19-39889842-C-T. GRCh37 (hg19) VCF-style: chr19-40380482-C-T.
Identifiers: ClinVar variation 2649848 (VCV002649848.24), dbSNP rs1402775749, ClinGen allele CA882179967.
Genomic context (GRCh38, chr19:39,889,842, plus strand): 5'-GCAGCTGGAGGGCTCACAGGACACCTCACCGCCCTCCCGGCAGCGGCAAAGGGAATCACA[C>T]CCAGGGCCAGGGTAGAAGGTCTGGCCCAGTGGGTAGTAGCGGTCATCGTGGAGGCAGCCA-3'
Protein context (NP_003881.2, residues 3601-3621): PLGQTFYPGP[Gly3611=]CDSLCRCREG

ClinVar aggregate classification (germline): Likely benign (1 of 4 stars; one submission).

Submission:

CeGaT Center for Human Genetics Tuebingen
Classification: Likely benign. Last evaluated: 2023-01-01. Review status: criteria provided, single submitter. Criteria: CeGaT Center For Human Genetics Tuebingen Variant Classification Criteria Version 2. Collection method: clinical testing. Allele origin: germline. Affected: yes. Observed: 1 variant allele.
Comment: FCGBP: PM2:Supporting, BP4, BP7